The following is an entry in ClinVar:

NM_000553.6(WRN):c.2706T>C (p.Tyr902=)

Gene: WRN (WRN RecQ like helicase; plus strand). Cytogenetic location: 8p12.
Variant type: single nucleotide variant.
Coding change: c.2706T>C on transcript NM_000553.6 (MANE Select); coding-DNA position 2706, T replaced by C.
Protein change: p.Tyr902=; no amino-acid change (tyrosine 902 retained).
Molecular consequence: synonymous variant.
Genome position (GRCh38, 1-based): chr8:31,124,597, T>C. VCF-style: chr8-31124597-T-C. GRCh37 (hg19) VCF-style: chr8-30982113-T-C.
Identifiers: ClinVar variation 1079930 (VCV001079930.31), dbSNP rs1801848281, ClinGen allele CA460219655.

ClinVar aggregate classification (germline): Likely benign. Review status: criteria provided, multiple submitters, no conflicts (2 of 4 stars). 2 submissions from 2 submitters: Likely benign (2). Last evaluated 2023-04-07.

Conditions:
Werner syndrome (WRN). Identifiers: Orphanet 902, MedGen C0043119, MONDO:0010196, OMIM 277700.

Allele frequency attached by ClinVar (database versions not stated): gnomAD exomes below 0.00001.
gnomAD v4.1: 2 of 1,612,298 alleles (0.00012%); highest among the groups gnomAD compares: Admixed American, 0.0017%; no homozygotes.

Submissions (2):

Labcorp Genetics (formerly Invitae), Labcorp
Classification: Likely benign for Werner syndrome. Last evaluated: 2023-04-07. Review status: criteria provided, single submitter. Criteria: Invitae Variant Classification Sherloc (09022015). Collection method: clinical testing. Allele origin: germline.

CeGaT Center for Human Genetics Tuebingen
Classification: Likely benign. Last evaluated: 2022-05-01. Review status: criteria provided, single submitter. Criteria: CeGaT Center For Human Genetics Tuebingen Variant Classification Criteria Version 2. Collection method: clinical testing. Allele origin: germline. Affected: yes. Observed: 1 variant allele.
Comment: WRN: PM2:Supporting, BP4, BP7